The following is an entry in ClinVar:

ClinVar aggregate classification (germline): Benign/Likely benign. Review status: criteria provided, multiple submitters, no conflicts (2 of 4 stars). 4 submissions from 4 submitters: Benign (1); Likely benign (2). 1 of the submissions does not count toward it. Last evaluated 2026-01-20.

Conditions:
HCFC1-related disorder. Also called: HCFC1-related condition.
Methylmalonic acidemia with homocystinuria, type cblX (MAHCX). Also called: INTELLECTUAL DEVELOPMENTAL DISORDER, X-LINKED 3. Identifiers: Orphanet 369962, MedGen C0796208, MONDO:0010657, OMIM 309541.

Allele frequency attached by ClinVar (database versions not stated): gnomAD exomes 0.00027 and 0.00088; gnomAD 0.00031; TOPMed 0.00031; ExAC 0.00032; ESP Exome Variant Server 0.00058.
gnomAD v4.1: 968 of 1,200,762 alleles (0.081%); highest among the groups gnomAD compares: Non-Finnish European, 0.11%; 1 homozygote.

Submissions (4):

Labcorp Genetics (formerly Invitae), Labcorp
Classification: Benign for Methylmalonic acidemia with homocystinuria, type cblX. Last evaluated: 2026-01-20. Review status: criteria provided, single submitter. Criteria: Invitae Variant Classification Sherloc (09022015). Collection method: clinical testing. Allele origin: germline.

GeneDx
Classification: Likely benign. Last evaluated: 2017-02-07. Review status: criteria provided, single submitter. Criteria: GeneDx Variant Classification (06012015). Collection method: clinical testing. Allele origin: germline. Affected: yes.
Comment: This variant is considered likely benign or benign based on one or more of the following criteria: it is a conservative change, it occurs at a poorly conserved position in the protein, it is predicted to be benign by multiple in silico algorithms, and/or has population frequency not consistent with disease.

Genetic Services Laboratory, University of Chicago
Classification: Likely benign. Last evaluated: 2016-04-25. Review status: criteria provided, single submitter. Criteria: ACMG Guidelines, 2015. Collection method: clinical testing. Allele origin: germline. Affected: no.

PreventionGenetics, part of Exact Sciences
Classification: Likely benign for HCFC1-related condition. Last evaluated: 2019-08-06. Review status: no assertion criteria provided. Collection method: clinical testing. Allele origin: germline. Not counted in ClinVar's aggregate classification.
Comment: This variant is classified as likely benign based on ACMG/AMP sequence variant interpretation guidelines (Richards et al. 2015 PMID: 25741868, with internal and published modifications).

NM_005334.3(HCFC1):c.717C>G (p.Thr239=)

Gene: HCFC1 (host cell factor C1; minus strand). Cytogenetic location: Xq28.
Variant type: single nucleotide variant.
Coding change: c.717C>G on transcript NM_005334.3 (MANE Select); coding-DNA position 717, C replaced by G.
Protein change: p.Thr239=; no amino-acid change (threonine 239 retained).
Molecular consequence: synonymous variant.
Genome position (GRCh38, 1-based): chrX:153,962,302, G>C on the plus strand (C>G on the coding strand, the complement: HCFC1 is on the minus strand). VCF-style: chrX-153962302-G-C. GRCh37 (hg19) VCF-style: chrX-153227753-G-C.
Identifiers: ClinVar variation 435405 (VCV000435405.17), dbSNP rs372516617, ClinGen allele CA10557623.